The following is an entry in ClinVar:

NM_001352754.2(ARMC9):c.788_789del (p.Pro263fs)

Gene: ARMC9 (armadillo repeat containing 9; plus strand). Cytogenetic location: 2q37.1.
Variant type: Deletion.
Coding change: c.788_789del on transcript NM_001352754.2 (MANE Select); coding-DNA positions 788 to 789, 2 bases deleted (CT; older notation c.788_789delCT).
Protein change: p.Pro263fs; shifts the reading frame from proline 263.
Molecular consequence: frameshift variant. On other transcripts: non-coding transcript variant (1), intron variant (2).
Genome position (GRCh38, 1-based): chr2:231,239,950-231,239,951, CT deleted. VCF-style (leftmost placement, unchanged base first): chr2-231239949-CCT-C. GRCh37 (hg19) VCF-style: chr2-232104662-CCT-C.
Other names: c.788_789del, p.Pro263fs (NM_001271466.4, NM_001291656.2, NM_001352755.2 and 3 more transcripts); c.780+4569_780+4570del (NM_001352757.2, NM_001352758.2); short protein forms P263fs.
Identifiers: ClinVar variation 3699584 (VCV003699584.3).

ClinVar aggregate classification (germline): Pathogenic/Likely pathogenic. Review status: criteria provided, multiple submitters, no conflicts (2 of 4 stars). 2 submissions from 2 submitters: Pathogenic (1); Likely pathogenic (1). Last evaluated 2024-10-12.

Conditions:
Joubert syndrome 30. Identifiers: MedGen C4539937, MONDO:0033308, OMIM 617622.

Submissions (2):

Labcorp Genetics (formerly Invitae), Labcorp
Classification: Pathogenic. Last evaluated: 2024-10-12. Review status: criteria provided, single submitter. Criteria: Invitae Variant Classification Sherloc (09022015). Collection method: clinical testing. Allele origin: germline.
Comment: This sequence change creates a premature translational stop signal (p.Pro263Argfs*13) in the ARMC9 gene. It is expected to result in an absent or disrupted protein product. Loss-of-function variants in ARMC9 are known to be pathogenic (PMID: 28625504). This variant is not present in population databases (gnomAD no frequency). This variant has not been reported in the literature in individuals affected with ARMC9-related conditions. For these reasons, this variant has been classified as Pathogenic.

Revvity Omics, Revvity
Classification: Likely pathogenic for Joubert syndrome 30. Last evaluated: 2023-11-13. Review status: criteria provided, single submitter. Criteria: ACMG Guidelines, 2015. Collection method: clinical testing. Allele origin: germline.

Literature cited by the submitters: PubMed 28625504 (cited by Labcorp Genetics (formerly Invitae), Labcorp).